The following is an entry in ClinVar:

NM_004991.4(MECOM):c.3493A>C (p.Asn1165His)

Gene: MECOM (MDS1 and EVI1 complex locus; minus strand). Cytogenetic location: 3q26.2.
Variant type: single nucleotide variant.
Coding change: c.3493A>C on transcript NM_004991.4 (MANE Select); coding-DNA position 3493, A replaced by C.
Protein change: p.Asn1165His; replaces asparagine 1165 with histidine.
Molecular consequence: missense variant.
Genome position (GRCh38, 1-based): chr3:169,089,092, T>G on the plus strand (A>C on the coding strand, the complement: MECOM is on the minus strand). VCF-style: chr3-169089092-T-G. GRCh37 (hg19) VCF-style: chr3-168806880-T-G.
Other names: c.3124A>C, p.Asn1042His (NM_001105077.4); c.2929A>C, p.Asn977His (NM_001105078.4, NM_001205194.2, NM_001366469.2 and 1 more transcripts); c.2905A>C, p.Asn969His (NM_001163999.2, NM_001366470.2); c.2902A>C, p.Asn968His (NM_001164000.2, NM_001366471.2, NM_001366472.2); c.3466A>C, p.Asn1156His (NM_001366466.2); c.2932A>C, p.Asn978His (NM_001366467.2, NM_001366468.2); c.2494A>C, p.Asn832His (NM_001366473.2); c.1930A>C, p.Asn644His (NM_001366474.2); short protein forms N1156H, N644H, N832H, N969H, N1042H, N968H, N977H, N978H.
Identifiers: ClinVar variation 3124835 (VCV003124835.2), dbSNP rs573549322, ClinGen allele CA2695883.

ClinVar aggregate classification (germline): Uncertain significance (1 of 4 stars; one submission).

Conditions:
Inborn genetic diseases. Identifiers: MedGen C0950123, MeSH D030342.

Allele frequency attached by ClinVar (database versions not stated): gnomAD exomes below 0.00001; gnomAD 0.00001; TOPMed 0.00001; ExAC 0.00002; 1000 Genomes Project 30x 0.00016; 1000 Genomes Project 0.00020.
gnomAD v4.1: 6 of 1,610,976 alleles (0.00037%); highest among the groups gnomAD compares: East Asian, 0.013%; no homozygotes.

Submission:

Ambry Genetics
Classification: Uncertain significance for Inborn genetic diseases. Last evaluated: 2025-08-08. Review status: criteria provided, single submitter. Criteria: Ambry Variant Classification Scheme 2023. Collection method: clinical testing. Allele origin: germline.
Comment: The p.N1165H variant (also known as c.3493A>C), located in coding exon 16 of the MECOM gene, results from an A to C substitution at nucleotide position 3493. The asparagine at codon 1165 is replaced by histidine, an amino acid with similar properties. This amino acid position is conserved. In addition, this alteration is predicted to be tolerated by in silico analysis. Based on the available evidence, the clinical significance of this variant remains unclear.